The following is an entry in ClinVar:

NM_006662.3(SRCAP):c.3343C>T (p.Arg1115Cys)

Gene: SRCAP (Snf2 related CREBBP activator protein; plus strand). Cytogenetic location: 16p11.2.
Variant type: single nucleotide variant.
Coding change: c.3343C>T on transcript NM_006662.3 (MANE Select); coding-DNA position 3343, C replaced by T.
Protein change: p.Arg1115Cys; replaces arginine 1115 with cysteine.
Molecular consequence: missense variant.
Genome position (GRCh38, 1-based): chr16:30,721,278, C>T. VCF-style: chr16-30721278-C-T. GRCh37 (hg19) VCF-style: chr16-30732599-C-T.
Other names: short protein forms R1115C.
Identifiers: ClinVar variation 3580112 (VCV003580112.3).
Genomic context (GRCh38, chr16:30,721,278, plus strand): 5'-GGGACCTCACGGCCTCCCACGCCAACCTTGTCCCTAAAGCCAACACCACCTGCCCCAGTT[C>T]GCCTGAGCCCAGCCCCACCTCCAGGCTCCTCTAGCCTGTTGAAGCCCCTGACAGTGCCAC-3'
Protein context (NP_006653.2, residues 1105-1125): SLKPTPPAPV[Arg1115Cys]LSPAPPPGSS

ClinVar aggregate classification (germline): Uncertain significance. Review status: criteria provided, multiple submitters, no conflicts (2 of 4 stars). 2 submissions from 2 submitters: Uncertain significance (2). Last evaluated 2025-07-06.

Conditions:
Developmental delay, hypotonia, musculoskeletal defects, and behavioral abnormalities. Identifiers: MedGen C5562012, MONDO:0859202, OMIM 619595.
Floating-Harbor syndrome (FLHS). Also called: SRCAP-Related Floating-Harbor Syndrome; Short stature with delayed bone age, expressive language delay, a triangular face with a prominent nose and deep-set eyes; Pelletier-Leisti syndrome. Identifiers: Orphanet 2044, MedGen C0729582, MONDO:0007621, OMIM 136140.

gnomAD v4.1: 10 of 1,614,002 alleles (0.00062%); highest among the groups gnomAD compares: South Asian, 0.0022%; no homozygotes.

Submissions (2):

Labcorp Genetics (formerly Invitae), Labcorp
Classification: Uncertain significance. Last evaluated: 2025-07-06. Review status: criteria provided, single submitter. Criteria: Invitae Variant Classification Sherloc (09022015). Collection method: clinical testing. Allele origin: germline.
Comment: This sequence change replaces arginine, which is basic and polar, with cysteine, which is neutral and slightly polar, at codon 1115 of the SRCAP protein (p.Arg1115Cys). This variant is present in population databases (rs781603720, gnomAD 0.006%). This variant has not been reported in the literature in individuals affected with SRCAP-related conditions. ClinVar contains an entry for this variant (Variation ID: 3580112). Invitae Evidence Modeling of protein sequence and biophysical properties (such as structural, functional, and spatial information, amino acid conservation, physicochemical variation, residue mobility, and thermodynamic stability) indicates that this missense variant is not expected to disrupt SRCAP protein function with a negative predictive value of 80%. In summary, the available evidence is currently insufficient to determine the role of this variant in disease. Therefore, it has been classified as a Variant of Uncertain Significance.

Fulgent Genetics
Classification: Uncertain significance for Floating-Harbor syndrome; Developmental delay, hypotonia, musculoskeletal defects, and behavioral abnormalities. Last evaluated: 2024-05-13. Review status: criteria provided, single submitter. Criteria: ACMG Guidelines, 2015. Collection method: clinical testing. Allele origin: germline.